The following is an entry in ClinVar:

ClinVar aggregate classification (germline): Uncertain significance (1 of 4 stars; one submission).

gnomAD v4.1: 2 of 1,611,462 alleles (0.00012%); highest among the groups gnomAD compares: East Asian, 0.0022%; no homozygotes.

Submission:

GeneDx
Classification: Uncertain significance. Last evaluated: 2023-07-24. Review status: criteria provided, single submitter. Criteria: GeneDx Variant Classification Process June 2021. Collection method: clinical testing. Allele origin: germline. Affected: yes.
Comment: Not observed at significant frequency in large population cohorts (gnomAD); In silico analysis supports that this missense variant does not alter protein structure/function; Has not been previously published as pathogenic or benign to our knowledge

NM_017654.4(SAMD9):c.144G>T (p.Trp48Cys)

Gene: SAMD9 (sterile alpha motif domain containing 9; minus strand). Cytogenetic location: 7q21.2.
Variant type: single nucleotide variant.
Coding change: c.144G>T on transcript NM_017654.4 (MANE Select); coding-DNA position 144, G replaced by T.
Protein change: p.Trp48Cys; replaces tryptophan 48 with cysteine.
Molecular consequence: missense variant.
Genome position (GRCh38, 1-based): chr7:93,105,954, C>A on the plus strand (G>T on the coding strand, the complement: SAMD9 is on the minus strand). VCF-style: chr7-93105954-C-A. GRCh37 (hg19) VCF-style: chr7-92735267-C-A.
Other names: c.144G>T, p.Trp48Cys (NM_001193307.2); short protein forms W48C.
Identifiers: ClinVar variation 3361553 (VCV003361553.1).